The following is an entry in ClinVar:

NM_006346.4(PIBF1):c.151A>G (p.Ile51Val)

Genes: DIS3 (DIS3 exosome endoribonuclease and 3'-5' exoribonuclease; minus strand), PIBF1 (progesterone immunomodulatory binding factor 1; plus strand). Cytogenetic location: 13q21.33.
Variant type: single nucleotide variant.
Coding change: c.151A>G on transcript NM_006346.4 (MANE Select); coding-DNA position 151, A replaced by G.
Protein change: p.Ile51Val; replaces isoleucine 51 with valine.
Molecular consequence: missense variant. On other transcripts: non-coding transcript variant (2).
Genome position (GRCh38, 1-based): chr13:72,783,620, A>G. VCF-style: chr13-72783620-A-G. GRCh37 (hg19) VCF-style: chr13-73357758-A-G.
Other names: c.151A>G, p.Ile51Val (NM_001349655.2); short protein forms I51V.
Identifiers: ClinVar variation 726906 (VCV000726906.37), dbSNP rs115330455, ClinGen allele CA7001848.
Genomic context (GRCh38, chr13:72,783,620, plus strand): 5'-ACGGATGATATTTCCTCATCAGAAGAGCGAGAGGGCAAAGTCAGAATCACCAGGCAGCTA[A>G]TTGAACGAAAAGAACTACTTCATAATATTCAGTTACTAAAAATTGAGCTATCCCAGAAAA-3'
Protein context (NP_006337.2, residues 41-61): EGKVRITRQL[Ile51Val]ERKELLHNIQ

ClinVar aggregate classification (germline): Benign/Likely benign. Review status: criteria provided, multiple submitters, no conflicts (2 of 4 stars). 5 submissions from 5 submitters: Benign (1); Likely benign (4). Last evaluated 2025-06-07.

Allele frequency attached by ClinVar (database versions not stated): 1000 Genomes Project 0.00100; 1000 Genomes Project 30x 0.00109; TOPMed 0.00112; ESP Exome Variant Server 0.00146; gnomAD 0.00155 and 0.00163; gnomAD exomes 0.00192 and 0.00200; ExAC 0.00194.
gnomAD v4.1: 3,116 of 1,614,086 alleles (0.19%); highest among the groups gnomAD compares: Non-Finnish European, 0.21%; 8 homozygotes.

Submissions (5):

Labcorp Genetics (formerly Invitae), Labcorp
Classification: Benign. Last evaluated: 2025-06-07. Review status: criteria provided, single submitter. Criteria: Invitae Variant Classification Sherloc (09022015). Collection method: clinical testing. Allele origin: germline.

Blueprint Genetics
Classification: Likely benign. Last evaluated: 2024-11-27. Review status: criteria provided, single submitter. Criteria: ACMG Guidelines, 2015. Collection method: clinical testing. Allele origin: germline.

CeGaT Center for Human Genetics Tuebingen
Classification: Likely benign. Last evaluated: 2023-12-01. Review status: criteria provided, single submitter. Criteria: CeGaT Center For Human Genetics Tuebingen Variant Classification Criteria Version 2. Collection method: clinical testing. Allele origin: germline. Affected: yes. Observed: 2 variant alleles.
Comment: PIBF1: BP4, BS2

Genetic Services Laboratory, University of Chicago
Classification: Likely benign. Last evaluated: 2021-03-04. Review status: criteria provided, single submitter. Criteria: ACMG Guidelines, 2015. Collection method: clinical testing. Allele origin: germline. Affected: no.

Breakthrough Genomics
Classification: Likely benign. Review status: criteria provided, single submitter. Criteria: ACMG Guidelines, 2015. Collection method: not provided. Allele origin: germline. Inheritance: Autosomal recessive inheritance. Affected: yes.